The following is an entry in ClinVar:

NM_198569.3(ADGRG6):c.3278T>C (p.Ile1093Thr)

Gene: ADGRG6 (adhesion G protein-coupled receptor G6; plus strand). Cytogenetic location: 6q24.2.
Variant type: single nucleotide variant.
Coding change: c.3278T>C on transcript NM_198569.3 (MANE Select); coding-DNA position 3278, T replaced by C.
Protein change: p.Ile1093Thr; replaces isoleucine 1093 with threonine.
Molecular consequence: missense variant.
Genome position (GRCh38, 1-based): chr6:142,420,063, T>C. VCF-style: chr6-142420063-T-C. GRCh37 (hg19) VCF-style: chr6-142741200-T-C.
Other names: c.3194T>C, p.Ile1065Thr (NM_001032394.3, NM_001032395.3); c.3278T>C, p.Ile1093Thr (NM_020455.6); short protein forms I1093T, I1065T.
Identifiers: ClinVar variation 2208175 (VCV002208175.4), dbSNP rs374836373, ClinGen allele CA4027375.

ClinVar aggregate classification (germline): Uncertain significance. Review status: criteria provided, multiple submitters, no conflicts (2 of 4 stars). 2 submissions from 2 submitters: Uncertain significance (2). Last evaluated 2025-06-17.

Conditions:
Inborn genetic diseases. Identifiers: MedGen C0950123, MeSH D030342.

Allele frequency attached by ClinVar (database versions not stated): gnomAD exomes 0.00001; ExAC 0.00002; TOPMed 0.00008; gnomAD 0.00010; ESP Exome Variant Server 0.00017.
gnomAD v4.1: 36 of 1,612,798 alleles (0.0022%); highest among the groups gnomAD compares: African/African-American, 0.04%; no homozygotes.

Submissions (2):

Ambry Genetics
Classification: Uncertain significance for Inborn genetic diseases. Last evaluated: 2025-06-17. Review status: criteria provided, single submitter. Criteria: Ambry Variant Classification Scheme 2023. Collection method: clinical testing. Allele origin: germline.

GeneDx
Classification: Uncertain significance. Last evaluated: 2023-05-25. Review status: criteria provided, single submitter. Criteria: GeneDx Variant Classification Process June 2021. Collection method: clinical testing. Allele origin: germline. Affected: yes.
Comment: Has not been previously published as pathogenic or benign to our knowledge; In silico analysis supports that this missense variant has a deleterious effect on protein structure/function